The following is an entry in ClinVar:

ClinVar aggregate classification (germline): Likely benign (0 of 4 stars; one submission).

Conditions:
MCHR1-related disorder. Also called: MCHR1-related condition.

Allele frequency attached by ClinVar (database versions not stated): gnomAD 0.00023; ExAC 0.00071; 1000 Genomes Project 0.00100; 1000 Genomes Project 30x 0.00109.
gnomAD v4.1: 420 of 1,614,216 alleles (0.026%); highest among the groups gnomAD compares: South Asian, 0.42%; 3 homozygotes.

Submission:

PreventionGenetics, part of Exact Sciences
Classification: Likely benign for MCHR1-related condition. Last evaluated: 2020-07-17. Review status: no assertion criteria provided. Collection method: clinical testing. Allele origin: germline.
Comment: This variant is classified as likely benign based on ACMG/AMP sequence variant interpretation guidelines (Richards et al. 2015 PMID: 25741868, with internal and published modifications).

NM_005297.4(MCHR1):c.855G>A (p.Pro285=)

Gene: MCHR1 (melanin concentrating hormone receptor 1; plus strand). Cytogenetic location: 22q13.2.
Variant type: single nucleotide variant.
Coding change: c.855G>A on transcript NM_005297.4 (MANE Select); coding-DNA position 855, G replaced by A.
Protein change: p.Pro285=; no amino-acid change (proline 285 retained).
Molecular consequence: synonymous variant.
Genome position (GRCh38, 1-based): chr22:40,681,721, G>A. VCF-style: chr22-40681721-G-A. GRCh37 (hg19) VCF-style: chr22-41077725-G-A.
Identifiers: ClinVar variation 3051225 (VCV003051225.2), dbSNP rs200939549, ClinGen allele CA10250351.